The following is an entry in ClinVar:

ClinVar aggregate classification (germline): Likely pathogenic (1 of 4 stars; one submission).

Conditions:
Bleeding and platelet disorders.

Submission:

North West Genomic Laboratory Hub, Manchester University NHS Foundation Trust
Classification: Likely pathogenic for Bleeding and platelet disorders. Last evaluated: 2025-05-14. Review status: criteria provided, single submitter. Criteria: ACGS Best Practice Guidelines for Variant Classification in Rare Disease 2024. Collection method: clinical testing. Allele origin: germline. Affected: yes.
Comment: PVS1_Str PM2_Mod

NM_002017.5(FLI1):c.1012dup (p.Ala338fs)

Gene: FLI1 (Fli-1 proto-oncogene, ETS transcription factor; plus strand). Cytogenetic location: 11q24.3.
Variant type: Duplication.
Coding change: c.1012dup on transcript NM_002017.5 (MANE Select); coding-DNA position 1012, one base duplicated (G; older notation c.1012dupG).
Protein change: p.Ala338fs; shifts the reading frame from alanine 338.
Molecular consequence: frameshift variant.
Genome position (GRCh38, 1-based): chr11:128,810,641, G duplicated; the last of 3 consecutive G bases (chr11:128,810,639-128,810,641); duplicating any one gives the same sequence. VCF-style (leftmost placement, unchanged base first): chr11-128810638-C-CG. GRCh37 (hg19) VCF-style: chr11-128680533-C-CG.
Other names: c.913dup, p.Ala305fs (NM_001167681.3, NM_001440369.1, NM_001440370.1 and 1 more transcripts); c.814dup, p.Ala272fs (NM_001271010.2); c.433dup, p.Ala145fs (NM_001271012.2); c.886dup, p.Ala296fs (NM_001440372.1); short protein forms A145fs, A272fs, A296fs, A305fs, A338fs.
Identifiers: ClinVar variation 4857328 (VCV004857328.1).
Genomic context (GRCh38, chr11:128,810,638, plus strand): 5'-GTGGCCAGGCGCTGGGGCGAGCGGAAAAGCAAGCCCAACATGAATTACGACAAGCTGAGC[C>CG]GGGCCCTCCGTTATTACTATGATAAAAACATTATGACCAAAGTGCACGGCAAAAGATATG-3'